The following is an entry in ClinVar:

NM_014365.3(HSPB8):c.52C>G (p.Arg18Gly)

Gene: HSPB8 (heat shock protein family B (small) member 8; plus strand). Cytogenetic location: 12q24.23.
Variant type: single nucleotide variant.
Coding change: c.52C>G on transcript NM_014365.3 (MANE Select); coding-DNA position 52, C replaced by G.
Protein change: p.Arg18Gly; replaces arginine 18 with glycine.
Molecular consequence: missense variant.
Genome position (GRCh38, 1-based): chr12:119,179,364, C>G. VCF-style: chr12-119179364-C-G. GRCh37 (hg19) VCF-style: chr12-119617169-C-G.
Other names: short protein forms R18G.
Identifiers: ClinVar variation 2662969 (VCV002662969.1), dbSNP rs759005659, ClinGen allele CA386523945.

ClinVar aggregate classification (germline): Uncertain significance (1 of 4 stars; one submission).

gnomAD v4.1: 1 of 1,614,134 alleles (0.000062%); highest among the groups gnomAD compares: Non-Finnish European, 0.000085%; no homozygotes.

Submission:

GeneDx
Classification: Uncertain significance. Last evaluated: 2023-04-06. Review status: criteria provided, single submitter. Criteria: GeneDx Variant Classification Process June 2021. Collection method: clinical testing. Allele origin: germline. Affected: yes.
Comment: Not observed at significant frequency in large population cohorts (gnomAD); In silico analysis supports that this missense variant does not alter protein structure/function; Has not been previously published as pathogenic or benign to our knowledge